The following is an entry in ClinVar:

NM_001211.6(BUB1B):c.1172A>G (p.Glu391Gly)

Gene: BUB1B (BUB1 mitotic checkpoint serine/threonine kinase B; plus strand). Cytogenetic location: 15q15.1.
Variant type: single nucleotide variant.
Coding change: c.1172A>G on transcript NM_001211.6 (MANE Select); coding-DNA position 1172, A replaced by G.
Protein change: p.Glu391Gly; replaces glutamic acid 391 with glycine.
Molecular consequence: missense variant.
Genome position (GRCh38, 1-based): chr15:40,196,658, A>G. VCF-style: chr15-40196658-A-G. GRCh37 (hg19) VCF-style: chr15-40488859-A-G.
Other names: short protein forms E391G.
Identifiers: ClinVar variation 3826063 (VCV003826063.1).
Genomic context (GRCh38, chr15:40,196,658, plus strand): 5'-CTGGAAAGGAAGAAGGAGATCCTCTACAAAGGGTTCAGAGCCATCAGCAAGCGTCTGAGG[A>G]GAAGAAAGAGAAGATGATGTATTGTAAGGAGAAGATTTATGCAGGAGTAGGGGAATTCTC-3'
Protein context (NP_001202.5, residues 381-401): RVQSHQQASE[Glu391Gly]KKEKMMYCKE

ClinVar aggregate classification (germline): Uncertain significance (1 of 4 stars; one submission).

Conditions:
Inborn genetic diseases. Identifiers: MedGen C0950123, MeSH D030342.

gnomAD v4.1: 1 of 1,614,018 alleles (0.000062%); highest among the groups gnomAD compares: South Asian, 0.0011%; no homozygotes.

Submission:

Ambry Genetics
Classification: Uncertain significance for Inborn genetic diseases. Last evaluated: 2024-12-25. Review status: criteria provided, single submitter. Criteria: Ambry Variant Classification Scheme 2023. Collection method: clinical testing. Allele origin: germline.
Comment: The p.E391G variant (also known as c.1172A>G), located in coding exon 9 of the BUB1B gene, results from an A to G substitution at nucleotide position 1172. The glutamic acid at codon 391 is replaced by glycine, an amino acid with similar properties. This amino acid position is conserved. In addition, this alteration is predicted to be tolerated by in silico analysis. Based on the available evidence, the clinical significance of this variant remains unclear.